The following is an entry in ClinVar:

ClinVar aggregate classification (germline): Uncertain significance. Review status: criteria provided, multiple submitters, no conflicts (2 of 4 stars). 3 submissions from 3 submitters: Uncertain significance (3). Last evaluated 2025-03-21.

Conditions:
Familial ovarian cancer. Identifiers: MedGen C5679802, MONDO:0016248.
Fanconi anemia complementation group O. Also called: RAD51C-Related Fanconi Anemia. Identifiers: Orphanet 84, MedGen C3150653, MONDO:0013248, OMIM 613390.

Submissions (3):

Molecular Pathology, Peter Maccallum Cancer Centre
Classification: Uncertain significance for Familial ovarian cancer. Last evaluated: 2025-03-21. Review status: criteria provided, single submitter. Criteria: ACMG Guidelines, 2015. Collection method: clinical testing. Allele origin: germline. Inheritance: Autosomal dominant inheritance.

Labcorp Genetics (formerly Invitae), Labcorp
Classification: Uncertain significance for Fanconi anemia complementation group O. Last evaluated: 2024-04-22. Review status: criteria provided, single submitter. Criteria: Invitae Variant Classification Sherloc (09022015). Collection method: clinical testing. Allele origin: germline.
Comment: This sequence change replaces valine, which is neutral and non-polar, with glutamic acid, which is acidic and polar, at codon 239 of the RAD51C protein (p.Val239Glu). This variant is not present in population databases (gnomAD no frequency). This variant has not been reported in the literature in individuals affected with RAD51C-related conditions. ClinVar contains an entry for this variant (Variation ID: 421575). Advanced modeling of protein sequence and biophysical properties (such as structural, functional, and spatial information, amino acid conservation, physicochemical variation, residue mobility, and thermodynamic stability) performed at Invitae indicates that this missense variant is expected to disrupt RAD51C protein function with a positive predictive value of 80%. In summary, the available evidence is currently insufficient to determine the role of this variant in disease. Therefore, it has been classified as a Variant of Uncertain Significance.

GeneDx
Classification: Uncertain significance. Last evaluated: 2016-07-01. Review status: criteria provided, single submitter. Criteria: GeneDx Variant Classification (06012015). Collection method: clinical testing. Allele origin: germline. Affected: yes.
Comment: This variant is denoted RAD51C c.716T>A at the cDNA level, p.Val239Glu (V239E) at the protein level, and results in the change of a Valine to a Glutamic Acid (GTG>GAG). This variant has not, to our knowledge, been published in the literature as pathogenic or benign. RAD51C Val239Glu was not observed in approximately 6,500 individuals of European and African American ancestry in the NHLBI Exome Sequencing Project, suggesting it is not a common benign variant in these populations. Since Valine and Glutamic Acid differ in polarity, charge, size or other properties, this is considered a non-conservative amino acid substitution. RAD51C Val239Glu occurs at a position where amino acids with properties similar to Valine are tolerated across species and is located in Walker B box in the ATP binding motif (Miller 2004). In silico analyses predict that this variant is probably damaging to protein structure and function. Based on currently available evidence, it is unclear whether RAD51C Val239Glu is a pathogenic or benign variant. We consider it to be a variant of uncertain significance.

NM_058216.3(RAD51C):c.716T>A (p.Val239Glu)

Gene: RAD51C (RAD51 paralog C; plus strand). Cytogenetic location: 17q22.
Variant type: single nucleotide variant.
Coding change: c.716T>A on transcript NM_058216.3 (MANE Select); coding-DNA position 716, T replaced by A.
Protein change: p.Val239Glu; replaces valine 239 with glutamic acid.
Molecular consequence: missense variant. On other transcripts: non-coding transcript variant (1).
Genome position (GRCh38, 1-based): chr17:58,709,869, T>A. VCF-style: chr17-58709869-T-A. GRCh37 (hg19) VCF-style: chr17-56787230-T-A.
Other names: short protein forms V239E.
Identifiers: ClinVar variation 421575 (VCV000421575.10), dbSNP rs1064795220, ClinGen allele CA16620501.
Genomic context (GRCh38, chr17:58,709,869, plus strand): 5'-TATTATTTTATTTTTCGTAACAAATCTAATATTATCTCTTCTGTATTTAGGTTCGACTAG[T>A]GATAGTGGATGGTATTGCTTTTCCATTTCGTCATGACCTAGATGACCTGTCTCTTCGTAC-3'
Protein context (NP_478123.1, residues 229-249): FLSEHSKVRL[Val239Glu]IVDGIAFPFR